The following is an entry in ClinVar:

NC_012920.1(MT-CO1):m.7147C>T

Gene: MT-CO1 (mitochondrially encoded cytochrome c oxidase I; plus strand).
Variant type: single nucleotide variant.
Genome position: chrM-7147-C-T.
Identifiers: ClinVar variation 692706 (VCV000692706.1), dbSNP rs1603220799, ClinGen allele CA414791549.

ClinVar aggregate classification (germline): Uncertain significance (1 of 4 stars; one submission).

Conditions:
Leigh syndrome (NULS). Also called: Leigh's necrotizing encephalopathy; Leigh's disease; Leigh Syndrome (mtDNA deletion); Leigh Disease; Subacute necrotizing encephalopathy; Necrotizing encephalopathy infantile subacute of Leigh. Identifiers: Orphanet 506, MedGen C2931891, MONDO:0009723, OMIM 256000.

Submission:

Wong Mito Lab, Molecular and Human Genetics, Baylor College of Medicine
Classification: Uncertain significance for Leigh syndrome. Last evaluated: 2019-10-17. Review status: criteria provided, single submitter. Criteria: Modified ACMG Guidelines (Unpublished). Collection method: clinical testing. Allele origin: germline.
Comment: The NC_012920.1:m.7147C>T (YP_003024028.1:p.Thr415Ile) variant in MTCO1 gene is interpretated to be a Uncertain Significance variant based on the modified ACMG guidelines (unpublished). This variant meets the following evidence codes: PP7, BP4